The following is an entry in ClinVar:

NM_001291415.2(KDM6A):c.3094+6C>T

Gene: KDM6A (lysine demethylase 6A; plus strand). Cytogenetic location: Xp11.3.
Variant type: single nucleotide variant.
Coding change: c.3094+6C>T on transcript NM_001291415.2 (MANE Select); 6 bases into the intron after coding-DNA position 3094, C replaced by T.
Molecular consequence: intron variant.
Genome position (GRCh38, 1-based): chrX:45,078,511, C>T. VCF-style: chrX-45078511-C-T. GRCh37 (hg19) VCF-style: chrX-44937756-C-T.
Other names: c.2938+6C>T (NM_021140.4); c.2959+6C>T (NM_001291416.2); c.2803+6C>T (NM_001291417.2); c.2701+6C>T (NM_001291418.2); c.2050+6C>T (NM_001291421.2).
Identifiers: ClinVar variation 2048843 (VCV002048843.4), dbSNP rs757184704, ClinGen allele CA10392601.

ClinVar aggregate classification (germline): Uncertain significance (1 of 4 stars; one submission).

Conditions:
Kabuki syndrome 2 (KABUK2). Also called: KDM6A-Related Kabuki Syndrome. Identifiers: Orphanet 2322, MedGen C3275495, MONDO:0010465, OMIM 300867.

Allele frequency attached by ClinVar (database versions not stated): ExAC 0.00001; TOPMed 0.00001; gnomAD 0.00002; gnomAD exomes 0.00002.
gnomAD v4.1: 19 of 1,188,310 alleles (0.0016%); highest among the groups gnomAD compares: Non-Finnish European, 0.0019%; no homozygotes.

Submission:

Labcorp Genetics (formerly Invitae), Labcorp
Classification: Uncertain significance for Kabuki syndrome 2. Last evaluated: 2025-04-03. Review status: criteria provided, single submitter. Criteria: Invitae Variant Classification Sherloc (09022015). Collection method: clinical testing. Allele origin: germline.
Comment: This sequence change falls in intron 19 of the KDM6A gene. It does not directly change the encoded amino acid sequence of the KDM6A protein. It affects a nucleotide within the consensus splice site. This variant is present in population databases (rs757184704, gnomAD 0.01%). This variant has not been reported in the literature in individuals affected with KDM6A-related conditions. ClinVar contains an entry for this variant (Variation ID: 2048843). Variants that disrupt the consensus splice site are a relatively common cause of aberrant splicing (PMID: 17576681, 9536098). Algorithms developed to predict the effect of sequence changes on RNA splicing suggest that this variant is not likely to affect RNA splicing. In summary, the available evidence is currently insufficient to determine the role of this variant in disease. Therefore, it has been classified as a Variant of Uncertain Significance.

Literature cited by the submitters: PubMed 17576681; PubMed 9536098.